The following is an entry in ClinVar:

NM_003072.5(SMARCA4):c.216G>A (p.Met72Ile)

Gene: SMARCA4 (SWI/SNF related BAF chromatin remodeling complex subunit ATPase 4; plus strand). Cytogenetic location: 19p13.2.
Variant type: single nucleotide variant.
Coding change: c.216G>A on transcript NM_003072.5 (MANE Select); coding-DNA position 216, G replaced by A.
Protein change: p.Met72Ile; replaces methionine 72 with isoleucine.
Molecular consequence: missense variant. On other transcripts: non-coding transcript variant (1).
Genome position (GRCh38, 1-based): chr19:10,984,367, G>A. VCF-style: chr19-10984367-G-A. GRCh37 (hg19) VCF-style: chr19-11095043-G-A.
Other names: c.216G>A, p.Met72Ile (NM_001128844.3, NM_001128845.2, NM_001128846.2 and 5 more transcripts); short protein forms M72I.
Identifiers: ClinVar variation 565589 (VCV000565589.8), dbSNP rs1568417674, ClinGen allele CA404054709.

ClinVar aggregate classification (germline): Uncertain significance (1 of 4 stars; one submission).

Conditions:
Rhabdoid tumor predisposition syndrome 2 (RTPS2). Identifiers: Orphanet 231108, Orphanet 69077, MedGen C2750074, MONDO:0013224, OMIM 613325.

Submission:

Labcorp Genetics (formerly Invitae), Labcorp
Classification: Uncertain significance for Rhabdoid tumor predisposition syndrome 2. Last evaluated: 2018-05-30. Review status: criteria provided, single submitter. Criteria: Invitae Variant Classification Sherloc (09022015). Collection method: clinical testing. Allele origin: germline.
Comment: This sequence change replaces methionine with isoleucine at codon 72 of the SMARCA4 protein (p.Met72Ile). The methionine residue is highly conserved and there is a small physicochemical difference between methionine and isoleucine. In summary, the available evidence is currently insufficient to determine the role of this variant in disease. Therefore, it has been classified as a Variant of Uncertain Significance. Algorithms developed to predict the effect of missense changes on protein structure and function are either unavailable or do not agree on the potential impact of this missense change (SIFT: "Deleterious"; PolyPhen-2: "Benign"; Align-GVGD: "Class C0"). This variant has not been reported in the literature in individuals with SMARCA4-related disease. This variant is not present in population databases (ExAC no frequency).